The following is an entry in ClinVar:

NM_000059.4(BRCA2):c.8688T>C (p.Arg2896=)

Gene: BRCA2 (BRCA2 DNA repair associated; plus strand). Cytogenetic location: 13q13.1.
Variant type: single nucleotide variant.
Coding change: c.8688T>C on transcript NM_000059.4 (MANE Select); coding-DNA position 8688, T replaced by C.
Protein change: p.Arg2896=; no amino-acid change (arginine 2896 retained).
Molecular consequence: synonymous variant.
Genome position (GRCh38, 1-based): chr13:32,376,725, T>C. VCF-style: chr13-32376725-T-C. GRCh37 (hg19) VCF-style: chr13-32950862-T-C.
Identifiers: ClinVar variation 427472 (VCV000427472.3), dbSNP rs1131692143, ClinGen allele CA483261782.

ClinVar aggregate classification (germline): Likely benign (3 of 4 stars; one submission).

Conditions:
Breast-ovarian cancer, familial, susceptibility to, 2 (BROVCA2). Also called: BRCA2 Hereditary Breast and Ovarian Cancer. Identifiers: Orphanet 145, MedGen C2675520, MONDO:0012933, OMIM 612555. Disease mechanism: loss of function.

Submission:

Evidence-based Network for the Interpretation of Germline Mutant Alleles (ENIGMA)
Classification: Likely benign for Breast-ovarian cancer, familial, susceptibility to, 2. Last evaluated: 2017-06-29. Review status: reviewed by expert panel. Criteria: ENIGMA BRCA1/2 Classification Criteria (2017-06-29). Collection method: curation. Allele origin: germline.
Comment: Synonymous substitution variant, with low bioinformatic likelihood to result in a splicing aberration (Splicing prior probability 0.02).